The following is an entry in ClinVar:

ClinVar aggregate classification (germline): Pathogenic (1 of 4 stars; one submission).

Conditions:
Congenital glucose-galactose malabsorption (GGM). Also called: DIARRHEA 16; MONOSACCHARIDE MALABSORPTION. Identifiers: Orphanet 35710, MedGen C0268186, MONDO:0011731, OMIM 606824.

Allele frequency attached by ClinVar (database versions not stated): gnomAD 0.00001; gnomAD exomes 0.00001; ExAC 0.00002.
gnomAD v4.1: 11 of 1,613,508 alleles (0.00068%); highest among the groups gnomAD compares: South Asian, 0.0033%; no homozygotes.

Submission:

Labcorp Genetics (formerly Invitae), Labcorp
Classification: Pathogenic for Congenital glucose-galactose malabsorption. Last evaluated: 2025-08-21. Review status: criteria provided, single submitter. Criteria: Invitae Variant Classification Sherloc (09022015). Collection method: clinical testing. Allele origin: germline.
Comment: This sequence change replaces cysteine, which is neutral and slightly polar, with tyrosine, which is neutral and polar, at codon 292 of the SLC5A1 protein (p.Cys292Tyr). This variant is present in population databases (rs765502638, gnomAD 0.002%). This missense change has been observed in individual(s) with clinical features of glucose-galactose malabsorption (PMID: 8563765; internal data). In at least one individual the data is consistent with being in trans (on the opposite chromosome) from a pathogenic variant. ClinVar contains an entry for this variant (Variation ID: 1407543). Invitae Evidence Modeling of protein sequence and biophysical properties (such as structural, functional, and spatial information, amino acid conservation, physicochemical variation, residue mobility, and thermodynamic stability) indicates that this missense variant is expected to disrupt SLC5A1 protein function with a positive predictive value of 95%. Experimental studies have shown that this missense change affects SLC5A1 function (PMID: 8563765). For these reasons, this variant has been classified as Pathogenic.

Literature cited by the submitters: PubMed 8563765.

NM_000343.4(SLC5A1):c.875G>A (p.Cys292Tyr)

Gene: SLC5A1 (solute carrier family 5 member 1; plus strand). Cytogenetic location: 22q12.3.
Variant type: single nucleotide variant.
Coding change: c.875G>A on transcript NM_000343.4 (MANE Select); coding-DNA position 875, G replaced by A.
Protein change: p.Cys292Tyr; replaces cysteine 292 with tyrosine.
Molecular consequence: missense variant.
Genome position (GRCh38, 1-based): chr22:32,084,649, G>A. VCF-style: chr22-32084649-G-A. GRCh37 (hg19) VCF-style: chr22-32480636-G-A.
Other names: c.494G>A, p.Cys165Tyr (NM_001256314.2); short protein forms C292Y, C165Y.
Identifiers: ClinVar variation 1407543 (VCV001407543.8), dbSNP rs765502638, ClinGen allele CA10198074.